The following is an entry in ClinVar:

NM_002529.4(NTRK1):c.1009G>C (p.Ala337Pro)

Gene: NTRK1 (neurotrophic receptor tyrosine kinase 1; plus strand). Cytogenetic location: 1q23.1.
Variant type: single nucleotide variant.
Coding change: c.1009G>C on transcript NM_002529.4 (MANE Select); coding-DNA position 1009, G replaced by C.
Protein change: p.Ala337Pro; replaces alanine 337 with proline.
Molecular consequence: missense variant.
Genome position (GRCh38, 1-based): chr1:156,873,791, G>C. VCF-style: chr1-156873791-G-C. GRCh37 (hg19) VCF-style: chr1-156843583-G-C.
Other names: c.1009G>C, p.Ala337Pro (NM_001007204.1, NM_001012331.2); c.919G>C, p.Ala307Pro (NM_001007792.1); short protein forms A307P, A337P.
Identifiers: ClinVar variation 2177947 (VCV002177947.1), dbSNP rs1323232384, ClinGen allele CA342935995.
Genomic context (GRCh38, chr1:156,873,791, plus strand): 5'-TTCAATGGCTCCGTGCTCAATGAGACCAGCTTCATCTTCACTGAGTTCCTGGAGCCGGCA[G>C]CCAATGAGACCGTGCGGCACGGGTGTCTGCGCCTCAACCAGCCCACCCACGTCAACAACG-3'
Protein context (NP_002520.2, residues 327-347): FIFTEFLEPA[Ala337Pro]NETVRHGCLR

ClinVar aggregate classification (germline): Uncertain significance (1 of 4 stars; one submission).

Conditions:
Hereditary insensitivity to pain with anhidrosis (CIPA). Also called: hereditary sensory and autonomic neuropathy type 4; HSAN Type IV; FAMILIAL DYSAUTONOMIA, TYPE II; NTRK1 Congenital Insensitivity to Pain with Anhidrosis; NEUROPATHY, CONGENITAL SENSORY, WITH ANHIDROSIS; INSENSITIVITY TO PAIN, CONGENITAL, WITH ANHIDROSIS. Identifiers: Orphanet 642, MedGen C0020074, MONDO:0009746, OMIM 256800.

gnomAD v4.1: 4 of 1,613,334 alleles (0.00025%); highest among the groups gnomAD compares: Non-Finnish European, 0.00034%; no homozygotes.

Submission:

Labcorp Genetics (formerly Invitae), Labcorp
Classification: Uncertain significance for Hereditary insensitivity to pain with anhidrosis. Last evaluated: 2022-03-27. Review status: criteria provided, single submitter. Criteria: Invitae Variant Classification Sherloc (09022015). Collection method: clinical testing. Allele origin: germline.
Comment: This sequence change replaces alanine, which is neutral and non-polar, with proline, which is neutral and non-polar, at codon 337 of the NTRK1 protein (p.Ala337Pro). This variant is not present in population databases (gnomAD no frequency). This variant has not been reported in the literature in individuals affected with NTRK1-related conditions. Advanced modeling of protein sequence and biophysical properties (such as structural, functional, and spatial information, amino acid conservation, physicochemical variation, residue mobility, and thermodynamic stability) performed at Invitae indicates that this missense variant is not expected to disrupt NTRK1 protein function. In summary, the available evidence is currently insufficient to determine the role of this variant in disease. Therefore, it has been classified as a Variant of Uncertain Significance.